The following is an entry in ClinVar:

ClinVar aggregate classification (germline): Likely pathogenic (1 of 4 stars; one submission).

Submission:

ARUP Laboratories, Molecular Genetics and Genomics, ARUP Laboratories
Classification: Likely pathogenic. Last evaluated: 2024-08-07. Review status: criteria provided, single submitter. Criteria: ARUP Molecular Germline Variant Investigation Process 2024. Collection method: clinical testing. Allele origin: germline.
Comment: The SPTB c.5191A>T; p.Lys1731Ter variant, to our knowledge, is not reported in the medical literature or gene specific databases. This variant is also absent from the Genome Aggregation Database (v2.1.1), indicating it is not a common polymorphism. This variant induces an early termination codon and is predicted to result in a truncated protein or mRNA subject to nonsense-mediated decay. Based on available information, this variant is considered to be likely pathogenic.

NM_001355436.2(SPTB):c.5191A>T (p.Lys1731Ter)

Gene: SPTB (spectrin beta, erythrocytic; minus strand). Cytogenetic location: 14q23.3.
Variant type: single nucleotide variant.
Coding change: c.5191A>T on transcript NM_001355436.2 (MANE Select); coding-DNA position 5191, A replaced by T.
Protein change: p.Lys1731Ter; replaces lysine 1731 with a stop codon.
Molecular consequence: nonsense.
Genome position (GRCh38, 1-based): chr14:64,772,942, T>A on the plus strand (A>T on the coding strand, the complement: SPTB is on the minus strand). VCF-style: chr14-64772942-T-A. GRCh37 (hg19) VCF-style: chr14-65239660-T-A.
Other names: c.5191A>T, p.Lys1731Ter (NM_001024858.4, NM_001355437.2); short protein forms K1731*.
Identifiers: ClinVar variation 3766763 (VCV003766763.1).
Genomic context (GRCh38, chr14:64,772,942, plus strand): 5'-TCACATTGTCCACCCGCTCCTGCCCAATCGCCCCGGTCTCCCGGGCAAAGTCCCGGAACT[T>A]GTCCCGCAGAAGCTAGGCATGGGGCAGACAGAAATGTGGTTATGGGGGGCACAGGGGTTA-3'